The following is an entry in ClinVar:

NM_020988.3(GNAO1):c.723+4095C>A

Gene: GNAO1 (G protein subunit alpha o1; plus strand). Cytogenetic location: 16q13.
Variant type: single nucleotide variant.
Coding change: c.723+4095C>A on transcript NM_020988.3 (MANE Select); 4095 bases into the intron after coding-DNA position 723, C replaced by A.
Molecular consequence: intron variant. On other transcripts: missense variant (1).
Genome position (GRCh38, 1-based): chr16:56,340,955, C>A. VCF-style: chr16-56340955-C-A. GRCh37 (hg19) VCF-style: chr16-56374867-C-A.
Other names: c.845C>A, p.Ser282Tyr (NM_138736.3); short protein forms S282Y.
Identifiers: ClinVar variation 4681134 (VCV004681134.2).

ClinVar aggregate classification (germline): Uncertain significance (1 of 4 stars; one submission).

Submission:

GeneDx
Classification: Uncertain significance. Last evaluated: 2026-06-26. Review status: criteria provided, single submitter. Criteria: GeneDx Variant Classification Process June 2021. Collection method: clinical testing. Allele origin: germline.
Comment: Not observed at significant frequency in large population cohorts (gnomAD); In silico analysis supports that this missense variant has a deleterious effect on protein structure/function; Has not been previously published as pathogenic or benign to our knowledge; Reported using an alternate transcript of the gene